The following is an entry in ClinVar:

NM_000466.3(PEX1):c.2966T>C (p.Ile989Thr)

Genes: GATAD1 (GATA zinc finger domain containing 1; plus strand), PEX1 (peroxisomal biogenesis factor 1; minus strand). Cytogenetic location: 7q21.2.
Variant type: single nucleotide variant.
Coding change: c.2966T>C on transcript NM_000466.3 (MANE Select); coding-DNA position 2966, T replaced by C.
Protein change: p.Ile989Thr; replaces isoleucine 989 with threonine.
Molecular consequence: missense variant.
Genome position (GRCh38, 1-based): chr7:92,494,357, A>G on the plus strand (T>C on the coding strand, the complement: PEX1 is on the minus strand). VCF-style: chr7-92494357-A-G. GRCh37 (hg19) VCF-style: chr7-92123671-A-G.
Other names: c.2795T>C, p.Ile932Thr (NM_001282677.2); c.2342T>C, p.Ile781Thr (NM_001282678.2); short protein forms I989T, I932T, I781T.
Identifiers: ClinVar variation 224325 (VCV000224325.25), dbSNP rs61750427, ClinGen allele CA4340947.

ClinVar aggregate classification (germline): Pathogenic/Likely pathogenic. Review status: criteria provided, multiple submitters, no conflicts (2 of 4 stars). 13 submissions from 12 submitters: Pathogenic (8); Likely pathogenic (5). Last evaluated 2026-01-24.

Conditions:
PEX1-related disorder. Also called: PEX1-related condition.
Zellweger spectrum disorders (ZS). Also called: Zellweger Spectrum Disorder; Zellweger Spectrum; Zellweger syndrome; Zellweger Spectrum Disorder (ZSD). Identifiers: Orphanet 912, MedGen C0043459, MONDO:0019609.
Peroxisome biogenesis disorder 1A (Zellweger) (PBD1A). Also called: Zellweger leukodystrophy; Peroxisome biogenesis disorder 1a. Identifiers: MedGen C4721541, MONDO:0008953, OMIM 214100.
Heimler syndrome 1 (HMLR1). Also called: PEROXISOME BIOGENESIS DISORDER 1C. Identifiers: Orphanet 3220, MedGen C4551980, OMIM 234580, MONDO:0024544.
Peroxisome biogenesis disorder 1B (PBD1B). Also called: PEROXISOME BIOGENESIS DISORDER (NALD/IRD); ADRENOLEUKODYSTROPHY, AUTOSOMAL NEONATAL; Refsum disease, infantile form; Infantile Refsum disease; Infantile form of phytanic acid storage disease; PEROXISOME BIOGENESIS DISORDER (NEONATAL ADRENOLEUKODYSTROPHY/INFANTILE REFSUM DISEASE). Identifiers: Orphanet 44, MedGen C0282527, MONDO:0011101, OMIM 601539.
Inborn genetic diseases. Identifiers: MedGen C0950123, MeSH D030342.
Peroxisome biogenesis disorder. Identifiers: Orphanet 79189, MedGen C1832200, MONDO:0019234. Disease mechanism: loss of function.

Allele frequency attached by ClinVar (database versions not stated): gnomAD 0.00003 and 0.00005; TOPMed 0.00003; ExAC 0.00005; 1000 Genomes Project 0.00040; 1000 Genomes Project 30x 0.00047.
gnomAD v4.1: 37 of 1,614,072 alleles (0.0023%); highest among the groups gnomAD compares: East Asian, 0.065%; no homozygotes.

Submissions (13):

Labcorp Genetics (formerly Invitae), Labcorp
Classification: Pathogenic for Zellweger spectrum disorders. Last evaluated: 2026-01-24. Review status: criteria provided, single submitter. Criteria: Invitae Variant Classification Sherloc (09022015). Collection method: clinical testing. Allele origin: germline.
Comment: This sequence change replaces isoleucine, which is neutral and non-polar, with threonine, which is neutral and polar, at codon 989 of the PEX1 protein (p.Ile989Thr). This variant is present in population databases (rs61750427, gnomAD 0.1%). This missense change has been observed in individual(s) with Zellweger syndrome (PMID: 16088892, 27302843; internal data). In at least one individual the data is consistent with being in trans (on the opposite chromosome) from a pathogenic variant. ClinVar contains an entry for this variant (Variation ID: 224325). Invitae Evidence Modeling of protein sequence and biophysical properties (such as structural, functional, and spatial information, amino acid conservation, physicochemical variation, residue mobility, and thermodynamic stability) indicates that this missense variant is expected to disrupt PEX1 protein function with a positive predictive value of 95%. For these reasons, this variant has been classified as Pathogenic.

PreventionGenetics, part of Exact Sciences
Classification: Pathogenic for PEX1-related condition. Last evaluated: 2025-12-20. Review status: criteria provided, single submitter. Criteria: ACMG Guidelines, 2015. Collection method: clinical testing. Allele origin: germline.
Comment: The PEX1 c.2966T>C variant is predicted to result in the amino acid substitution p.Ile989Thr. This variant has been reported in the compound heterozygous state in multiple unrelated individuals with Zellweger spectrum disorder or Heimler syndrome (see for example, Smith et al. 2016. PubMed ID: 27302843; Gao et al. 2019. PubMed ID: 31831025; Chen et al. 2021. PubMed ID: 34513757). Functional studies in the patient-derived skin fibroblasts suggested that the p.Ile989Thr substitution may impact normal protein function (Maxwell et al. 2005. PubMed ID: 16088892). This variant is reported in 0.11% of alleles in individuals of East Asian descent in gnomAD. This variant is interpreted as pathogenic.

Natera, Inc.
Classification: Pathogenic for Zellweger syndrome. Last evaluated: 2025-09-29. Review status: criteria provided, single submitter. Criteria: Natera Variant Classification Schema (03/2026). Collection method: clinical testing. Allele origin: germline.
Comment: The c.2966T>C variant in PEX1 is a missense variant predicted to cause substitution of isoleucine to threonine at amino acid 989. This variant is rare in the general population with a frequency below the threshold expected for the associated phenotype(s). This variant has been observed in one or more individuals affected with the associated recessive disease, as either homozygous or compound heterozygous with a second variant (PMID: 31831025, 34513757). Computational prediction algorithms indicate this variant is likely to affect gene or protein function. Given the available evidence, this variant is classified as Pathogenic.

Myriad Genetics, Inc.
Classification: Likely pathogenic for Peroxisome biogenesis disorder. Last evaluated: 2025-05-27. Review status: criteria provided, single submitter. Criteria: Myriad Autosomal Dominant, Autosomal Recessive and X-Linked Classification Criteria (2023). Collection method: clinical testing. Allele origin: unknown.
Comment: NM_000466.2(PEX1):c.2966T>C(I989T) is a missense variant classified as likely pathogenic in the context of peroxisome biogenesis disorder type 1. Please note that I989T may be associated with a mild form of peroxisome biogenesis disorder type 1. I989T has been observed in cases with relevant disease (PMID: 38561264, 27302843, 31831025, 34513757, 16088892, 36046390, 37229200). Relevant functional assessments of this variant are not available in the literature. I989T has been observed in referenced population frequency databases. In summary, NM_000466.2(PEX1):c.2966T>C(I989T) is a missense variant that has been observed more frequently in cases with the relevant disease than in healthy populations. Please note: this variant was assessed in the context of healthy population screening.

Women's Health and Genetics/Laboratory Corporation of America, LabCorp
Classification: Pathogenic for Peroxisome biogenesis disorder. Last evaluated: 2024-09-09. Review status: criteria provided, single submitter. Criteria: LabCorp Variant Classification Summary - May 2015. Collection method: clinical testing. Allele origin: germline.
Comment: Variant summary: PEX1 c.2966T>C (p.Ile989Thr) results in a non-conservative amino acid change located in the AAA+ ATPase domain (IPR003593) of the encoded protein sequence. Five of five in-silico tools predict a damaging effect of the variant on protein function. The variant allele was found at a frequency of 7.2e-05 in 251010 control chromosomes. This frequency is not significantly higher than estimated for a pathogenic variant in PEX1 causing Zellweger Syndrome (7.2e-05 vs 0.0039), allowing no conclusion about variant significance. c.2966T>C has been reported in the literature in individuals (compound heterozygous and heterozygous) affected with Heimler syndrome (Gao_2019 , Smith_2016), non-syndromic hearing loss(Han_2019) and Zellweger syndrome (Maxwell_2005, Thomas_2020, Chen_2021,Chen_2022,Liang_2023).These data indicate that the variant is very likely to be associated with disease. At least one publication reports experimental evidence evaluating an impact on protein function, however, the reported evidence does not allow for convincing conclusions about the variant effect (Maxwell_2005). The following publications have been ascertained in the context of this evaluation (PMID: 34513757, 16086329, 31831025, 30733538, 16088892, 31374812, 27302843, 32203225, 36046390, 37385119). ClinVar contains an entry for this variant (Variation ID: 224325). Based on the evidence outlined above, the variant was classified as pathogenic.

Baylor Genetics
Classification: Likely pathogenic for Heimler syndrome 1. Last evaluated: 2024-03-30. Review status: criteria provided, single submitter. Criteria: ACMG Guidelines, 2015. Collection method: clinical testing. Allele origin: unknown.

Fulgent Genetics
Classification: Likely pathogenic for Peroxisome biogenesis disorder 1A (Zellweger); Heimler syndrome 1; Peroxisome biogenesis disorder 1B. Last evaluated: 2024-02-22. Review status: criteria provided, single submitter. Criteria: ACMG Guidelines, 2015. Collection method: clinical testing. Allele origin: germline.

Blueprint Genetics
Classification: Pathogenic for PEX1-related disorders. Last evaluated: 2023-08-24. Review status: criteria provided, single submitter. Criteria: ACMG Guidelines, 2015. Collection method: clinical testing. Allele origin: germline. Affected: yes. Observed: 5 variant alleles.

Ambry Genetics
Classification: Likely pathogenic for Inborn genetic diseases. Last evaluated: 2022-03-28. Review status: criteria provided, single submitter. Criteria: Ambry Variant Classification Scheme 2023. Collection method: clinical testing. Allele origin: germline.
Comment: The c.2966T>C (p.I989T) alteration is located in exon 19 (coding exon 19) of the PEX1 gene. This alteration results from a T to C substitution at nucleotide position 2966, causing the isoleucine (I) at amino acid position 989 to be replaced by a threonine (T). Based on data from gnomAD, the C allele has an overall frequency of 0.01% (21/282416) total alleles studied. The highest observed frequency was 0.11% (21/19942) of East Asian alleles. This alteration was detected in trans with other PEX1 disease-causing alterations in multiple unrelated individuals with PEX1-related peroxisome biogenesis spectrum disorder (Thomas, 2020; Gao, 2019; Smith, 2016; Chen, 2021; Maxwell, 2005). This amino acid position is highly conserved in available vertebrate species. This alteration is predicted to be deleterious by in silico analysis. Based on the available evidence, this alteration is classified as likely pathogenic.

GeneDx
Classification: Pathogenic. Last evaluated: 2022-02-01. Review status: criteria provided, single submitter. Criteria: GeneDx Variant Classification Process June 2021. Collection method: clinical testing. Allele origin: germline. Affected: yes.
Comment: In silico analysis supports that this missense variant has a deleterious effect on protein structure/function; This variant is associated with the following publications: (PMID: 27302843, 16086329, 31374812, 32203225, 16088892, 31054281, 30733538, 31831025, Parsamanesh2021[paper], 33708531, 34513757)

Leeds Amelogenesis Imperfecta Research Group, University of Leeds
Classification: Pathogenic for Heimler syndrome 1. Last evaluated: 2015-10-01. Review status: criteria provided, single submitter. Criteria: Submitter's publication. Collection method: research. Allele origin: germline. Affected: yes.
Comment: Paper reports individual compound heterozygous for this variant

Baylor Genetics
Classification: Likely pathogenic for Peroxisome biogenesis disorder 1A (Zellweger); Peroxisome biogenesis disorder 1B. Review status: criteria provided, single submitter. Criteria: ACMG Guidelines, 2015. Collection method: clinical testing. Allele origin: germline.

Juno Genomics, Hangzhou Juno Genomics, Inc
Classification: Pathogenic for Heimler syndrome 1; Peroxisome biogenesis disorder 1A (Zellweger); Peroxisome biogenesis disorder 1B. Review status: criteria provided, single submitter. Criteria: ACMG Guidelines, 2015. Collection method: clinical testing. Allele origin: germline. Affected: yes.
Comment: Absent from controls (or at extremely low frequency if recessive) in Genome Aggregation Database, Exome Sequencing Project, 1000 Genomes Project, or Exome Aggregation Consortium.;Multiple lines of computational evidence support a deleterious effect on the gene or gene product (conservation, evolutionary, splicing impact, etc).;For recessive disorders, detected in trans with a pathogenic variant.;Co-segregation with disease in multiple affected family members in a gene definitively known to cause the disease.

Literature cited by the submitters: PubMed 16088892 (cited by 5 submitters); PubMed 27302843 (cited by 4 submitters); PubMed 31831025 (cited by 4 submitters); PubMed 34513757 (cited by 4 submitters); PubMed 36046390 (cited by Myriad Genetics, Inc. and Women's Health and Genetics/Laboratory Corporation of America, LabCorp); PubMed 37229200 (cited by Myriad Genetics, Inc.); PubMed 38561264 (cited by Myriad Genetics, Inc.); PubMed 16086329 (cited by Women's Health and Genetics/Laboratory Corporation of America, LabCorp); PubMed 30733538 (cited by Women's Health and Genetics/Laboratory Corporation of America, LabCorp); PubMed 31374812 (cited by Women's Health and Genetics/Laboratory Corporation of America, LabCorp); PubMed 32203225 (cited by Women's Health and Genetics/Laboratory Corporation of America, LabCorp and Ambry Genetics); PubMed 37385119 (cited by Women's Health and Genetics/Laboratory Corporation of America, LabCorp).